The following is an entry in ClinVar:

ClinVar aggregate classification (germline): Uncertain significance (1 of 4 stars; one submission).

Conditions:
Hereditary cancer-predisposing syndrome. Also called: Neoplastic Syndromes, Hereditary; Hereditary neoplastic syndrome; Tumor predisposition; Hereditary Cancer Syndrome. Identifiers: Orphanet 140162, MedGen C0027672, MeSH D009386, MONDO:0015356.

Submission:

Ambry Genetics
Classification: Uncertain significance for Hereditary cancer-predisposing syndrome. Last evaluated: 2022-12-30. Review status: criteria provided, single submitter. Criteria: Ambry Variant Classification Scheme 2023. Collection method: clinical testing. Allele origin: germline.
Comment: The p.G218S variant (also known as c.652G>A), located in coding exon 5 of the SUFU gene, results from a G to A substitution at nucleotide position 652. The glycine at codon 218 is replaced by serine, an amino acid with similar properties. This amino acid position is highly conserved in available vertebrate species. In addition, this alteration is predicted to be deleterious by in silico analysis. Since supporting evidence is limited at this time, the clinical significance of this alteration remains unclear.

NM_016169.4(SUFU):c.652G>A (p.Gly218Ser)

Gene: SUFU (SUFU negative regulator of hedgehog signaling; plus strand). Cytogenetic location: 10q24.32.
Variant type: single nucleotide variant.
Coding change: c.652G>A on transcript NM_016169.4 (MANE Select); coding-DNA position 652, G replaced by A.
Protein change: p.Gly218Ser; replaces glycine 218 with serine.
Molecular consequence: missense variant.
Genome position (GRCh38, 1-based): chr10:102,593,690, G>A. VCF-style: chr10-102593690-G-A. GRCh37 (hg19) VCF-style: chr10-104353447-G-A.
Other names: c.652G>A, p.Gly218Ser (NM_001178133.2); short protein forms G218S.
Identifiers: ClinVar variation 2482622 (VCV002482622.2), dbSNP rs2545084859, ClinGen allele CA377909563.